The following is an entry in ClinVar:

NM_000228.3(LAMB3):c.1552C>T (p.Gln518Ter)

Gene: LAMB3 (laminin subunit beta 3; minus strand). Cytogenetic location: 1q32.2.
Variant type: single nucleotide variant.
Coding change: c.1552C>T on transcript NM_000228.3 (MANE Select); coding-DNA position 1552, C replaced by T.
Protein change: p.Gln518Ter; replaces glutamine 518 with a stop codon.
Molecular consequence: nonsense.
Genome position (GRCh38, 1-based): chr1:209,626,912, G>A on the plus strand (C>T on the coding strand, the complement: LAMB3 is on the minus strand). VCF-style: chr1-209626912-G-A. GRCh37 (hg19) VCF-style: chr1-209800257-G-A.
Other names: c.1552C>T, p.Gln518Ter (NM_001017402.2, NM_001127641.1); short protein forms Q518*.
Identifiers: ClinVar variation 2873519 (VCV002873519.3), dbSNP rs2464826363, ClinGen allele CA344590136.
Genomic context (GRCh38, chr1:209,626,912, plus strand): 5'-GCTTTGAGCATGCACCTCGGCATCCTGTGGCCACGTCTCCATAGGTCCGGTCTGGACACT[G>A]GCGGATGGCTGCAGCGCTGCACATCAGGCCACCAAAGCCTTCCCGACAGGGGCACTGCCC-3'

ClinVar aggregate classification (germline): Pathogenic (1 of 4 stars; one submission).

Allele frequency attached by ClinVar (database versions not stated): gnomAD exomes below 0.00001.

Submission:

Labcorp Genetics (formerly Invitae), Labcorp
Classification: Pathogenic. Last evaluated: 2024-01-17. Review status: criteria provided, single submitter. Criteria: Invitae Variant Classification Sherloc (09022015). Collection method: clinical testing. Allele origin: germline.
Comment: This sequence change creates a premature translational stop signal (p.Gln518*) in the LAMB3 gene. It is expected to result in an absent or disrupted protein product. Loss-of-function variants in LAMB3 are known to be pathogenic (PMID: 11023379, 16473856). This variant is not present in population databases (gnomAD no frequency). This variant has not been reported in the literature in individuals affected with LAMB3-related conditions. Algorithms developed to predict the effect of sequence changes on RNA splicing suggest that this variant may disrupt the consensus splice site. For these reasons, this variant has been classified as Pathogenic.

Literature cited by the submitters: PubMed 11023379; PubMed 16473856.